The following is an entry in ClinVar:

ClinVar aggregate classification (germline): Uncertain significance (1 of 4 stars; one submission).

Conditions:
Gastrointestinal stromal tumor. Also called: Gastrointestinal stroma tumor; Gastrointestinal stromal tumor, somatic. Identifiers: Orphanet 44890, MedGen C0238198, MeSH D046152, MONDO:0011719, OMIM 606764, HP:0100723.
Pheochromocytoma/paraganglioma syndrome 4. Also called: CAROTID BODY TUMORS AND MULTIPLE EXTRAADRENAL PHEOCHROMOCYTOMAS; SDHB-Related Hereditary Paraganglioma-Pheochromocytoma Syndrome; PARAGANGLIOMA, FAMILIAL MALIGNANT; PARAGANGLIOMAS, HEREDITARY EXTRAADRENAL; PHEOCHROMOCYTOMA, FAMILIAL EXTRAADRENAL; Paragangliomas 4. Identifiers: Orphanet 29072, MedGen C1861848, MONDO:0007273, OMIM 115310.
Pheochromocytoma. Also called: MAX-Related Hereditary Paraganglioma-Pheochromocytoma Syndrome. Identifiers: Orphanet 29072, MedGen C0031511, MONDO:0008233, OMIM 171300, HP:0002666.

Allele frequency attached by ClinVar (database versions not stated): gnomAD exomes below 0.00001; gnomAD 0.00001.
gnomAD v4.1: 2 of 1,609,864 alleles (0.00012%); no homozygotes.

Submission:

Labcorp Genetics (formerly Invitae), Labcorp
Classification: Uncertain significance for Gastrointestinal stromal tumor; Pheochromocytoma/paraganglioma syndrome 4; Pheochromocytoma. Last evaluated: 2020-11-11. Review status: criteria provided, single submitter. Criteria: Invitae Variant Classification Sherloc (09022015). Collection method: clinical testing. Allele origin: germline.
Comment: Advanced modeling of protein sequence and biophysical properties (such as structural, functional, and spatial information, amino acid conservation, physicochemical variation, residue mobility, and thermodynamic stability) performed at Invitae indicates that this missense variant is expected to disrupt SDHB protein function. This sequence change replaces glycine with serine at codon 69 of the SDHB protein (p.Gly69Ser). The glycine residue is highly conserved and there is a small physicochemical difference between glycine and serine. This variant is not present in population databases (ExAC no frequency). This variant has not been reported in the literature in individuals with SDHB-related conditions. Algorithms developed to predict the effect of sequence changes on RNA splicing suggest that this variant may create or strengthen a splice site, but this prediction has not been confirmed by published transcriptional studies. In summary, the available evidence is currently insufficient to determine the role of this variant in disease. Therefore, it has been classified as a Variant of Uncertain Significance.

NM_003000.3(SDHB):c.205G>A (p.Gly69Ser)

Gene: SDHB (succinate dehydrogenase complex iron sulfur subunit B; minus strand). Cytogenetic location: 1p36.13.
Variant type: single nucleotide variant.
Coding change: c.205G>A on transcript NM_003000.3 (MANE Select); coding-DNA position 205, G replaced by A.
Protein change: p.Gly69Ser; replaces glycine 69 with serine.
Molecular consequence: missense variant.
Genome position (GRCh38, 1-based): chr1:17,033,141, C>T on the plus strand (G>A on the coding strand, the complement: SDHB is on the minus strand). VCF-style: chr1-17033141-C-T. GRCh37 (hg19) VCF-style: chr1-17359636-C-T.
Other names: short protein forms G69S.
Identifiers: ClinVar variation 1463692 (VCV001463692.8), dbSNP rs1131691048, ClinGen allele CA338276638.